The following is an entry in ClinVar:

NM_004947.5(DOCK3):c.5941del (p.Arg1981fs)

Gene: DOCK3 (dedicator of cytokinesis 3; plus strand). Cytogenetic location: 3p21.2.
Variant type: Deletion.
Coding change: c.5941del on transcript NM_004947.5 (MANE Select); coding-DNA position 5941, one base deleted (C; older notation c.5941delC).
Protein change: p.Arg1981fs; shifts the reading frame from arginine 1981.
Molecular consequence: frameshift variant.
Genome position (GRCh38, 1-based): chr3:51,381,407, C deleted; the last of 5 consecutive C bases (chr3:51,381,403-51,381,407); deleting any one gives the same sequence. VCF-style (leftmost placement, unchanged base first): chr3-51381402-AC-A. GRCh37 (hg19) VCF-style: chr3-51418833-AC-A.
Other names: short protein forms R1981fs.
Identifiers: ClinVar variation 2634415 (VCV002634415.1), dbSNP rs1165491876, ClinGen allele CA908023140.
Genomic context (GRCh38, chr3:51,381,402, plus strand): 5'-CAGGGTGCGTCATCCCTCAGGACCCCATGGACCCGCCTGCGCTGCCGCCCAAGCCCTACC[AC>A]CCCCGCCTGCCGGCCCTGGAGCACGATGAGGGGGTGCTGCTGCGTGAAGAGACTGAGAGG-3'

ClinVar aggregate classification (germline): Uncertain significance (1 of 4 stars; one submission).

Conditions:
DOCK3-related disorder. Also called: DOCK3-related condition.

Submission:

PreventionGenetics, part of Exact Sciences
Classification: Uncertain significance for DOCK3-related condition. Last evaluated: 2023-04-06. Review status: criteria provided, single submitter. Criteria: ACMG Guidelines, 2015. Collection method: clinical testing. Allele origin: germline.
Comment: The DOCK3 c.5941delC variant is predicted to result in a frameshift and premature protein termination (p.Arg1981Alafs*180). This variant is located in the final exon, is not predicted to undergo nonsense mediated decay, disrupts the final ~50 amino acids, and results in a C-terminal extension. To our knowledge, this variant has not been reported in the literature or in a large population database, indicating this variant is rare. Frameshift variants in DOCK3 are known to be pathogenic; however, all previously reported frameshift variants are located upstream. Although we suspect that this variant may be pathogenic, at this time, the clinical significance of this variant is uncertain due to the absence of conclusive functional and genetic evidence.